The following is an entry in ClinVar:

ClinVar aggregate classification (germline): Uncertain significance (1 of 4 stars; one submission).

Conditions:
Lethal congenital glycogen storage disease of heart. Also called: GLYCOGEN STORAGE DISEASE OF HEART; PHOSPHORYLASE KINASE DEFICIENCY OF HEART. Identifiers: Orphanet 439854, MedGen C1849813, MONDO:0009867, OMIM 261740.

Submission:

Labcorp Genetics (formerly Invitae), Labcorp
Classification: Uncertain significance for Lethal congenital glycogen storage disease of heart. Last evaluated: 2023-03-29. Review status: criteria provided, single submitter. Criteria: Invitae Variant Classification Sherloc (09022015). Collection method: clinical testing. Allele origin: germline.
Comment: An algorithm developed to predict the effect of missense changes on protein structure and function (PolyPhen-2) suggests that this variant is likely to be disruptive. In summary, the available evidence is currently insufficient to determine the role of this variant in disease. Therefore, it has been classified as a Variant of Uncertain Significance. This variant has not been reported in the literature in individuals affected with PRKAG2-related conditions. This variant is not present in population databases (gnomAD no frequency). This sequence change replaces leucine, which is neutral and non-polar, with phenylalanine, which is neutral and non-polar, at codon 370 of the PRKAG2 protein (p.Leu370Phe).

NM_016203.4(PRKAG2):c.1108C>T (p.Leu370Phe)

Gene: PRKAG2 (protein kinase AMP-activated non-catalytic subunit gamma 2; minus strand). Cytogenetic location: 7q36.1.
Variant type: single nucleotide variant.
Coding change: c.1108C>T on transcript NM_016203.4 (MANE Select); coding-DNA position 1108, C replaced by T.
Protein change: p.Leu370Phe; replaces leucine 370 with phenylalanine.
Molecular consequence: missense variant.
Genome position (GRCh38, 1-based): chr7:151,568,841, G>A on the plus strand (C>T on the coding strand, the complement: PRKAG2 is on the minus strand). VCF-style: chr7-151568841-G-A. GRCh37 (hg19) VCF-style: chr7-151265927-G-A.
Other names: c.976C>T, p.Leu326Phe (NM_001040633.2, NM_001407024.1); c.733C>T, p.Leu245Phe (NM_001304527.2, NM_001407029.1); c.385C>T, p.Leu129Phe (NM_001304531.2, NM_001407034.1, NM_001407035.1 and 1 more transcripts); c.736C>T, p.Leu246Phe (NM_001363698.2, NM_001407028.1); c.1108C>T, p.Leu370Phe (NM_001407021.1); c.1105C>T, p.Leu369Phe (NM_001407022.1, NM_001407023.1); c.973C>T, p.Leu325Phe (NM_001407026.1, NM_001407027.1); c.820C>T, p.Leu274Phe (NM_001407030.1); and 6 more; short protein forms L129F, L262F, L274F, L326F, L149F, L245F, L246F, L325F.
Identifiers: ClinVar variation 2850629 (VCV002850629.3), dbSNP rs2536329336, ClinGen allele CA370071681.